The following is an entry in ClinVar:

ClinVar aggregate classification (germline): Conflicting classifications of pathogenicity. Review status: criteria provided, conflicting classifications (1 of 4 stars). 3 submissions from 3 submitters: Uncertain significance (2); Likely benign (1). Last evaluated 2024-11-26.

Conditions:
Colorectal cancer, susceptibility to, 12 (CRCS12). Also called: COLORECTAL CANCER, SUSCEPTIBILITY TO, ON CHROMOSOME 12q24. Identifiers: Orphanet 220460, MedGen C3554460, MONDO:0014038, OMIM 615083.
Hereditary cancer-predisposing syndrome. Also called: Neoplastic Syndromes, Hereditary; Tumor predisposition; Hereditary Cancer Syndrome; Hereditary neoplastic syndrome. Identifiers: Orphanet 140162, MedGen C0027672, MeSH D009386, MONDO:0015356.

Allele frequency attached by ClinVar (database versions not stated): gnomAD exomes below 0.00001.
gnomAD v4.1: 1 of 1,614,120 alleles (0.000062%); highest among the groups gnomAD compares: Non-Finnish European, 0.000085%; no homozygotes.

Submissions (3):

Ambry Genetics
Classification: Likely benign for Hereditary cancer-predisposing syndrome. Last evaluated: 2024-11-26. Review status: criteria provided, single submitter. Criteria: Ambry Variant Classification Scheme 2023. Collection method: clinical testing. Allele origin: germline.

Labcorp Genetics (formerly Invitae), Labcorp
Classification: Uncertain significance. Last evaluated: 2024-02-14. Review status: criteria provided, single submitter. Criteria: Invitae Variant Classification Sherloc (09022015). Collection method: clinical testing. Allele origin: germline.
Comment: This sequence change replaces histidine, which is basic and polar, with tyrosine, which is neutral and polar, at codon 379 of the POLE protein (p.His379Tyr). This variant is not present in population databases (gnomAD no frequency). This variant has not been reported in the literature in individuals affected with POLE-related conditions. ClinVar contains an entry for this variant (Variation ID: 1729536). Advanced modeling of protein sequence and biophysical properties (such as structural, functional, and spatial information, amino acid conservation, physicochemical variation, residue mobility, and thermodynamic stability) performed at Invitae indicates that this missense variant is not expected to disrupt POLE protein function with a negative predictive value of 80%. In summary, the available evidence is currently insufficient to determine the role of this variant in disease. Therefore, it has been classified as a Variant of Uncertain Significance.

Baylor Genetics
Classification: Uncertain significance for Colorectal cancer, susceptibility to, 12. Last evaluated: 2023-06-22. Review status: criteria provided, single submitter. Criteria: ACMG Guidelines, 2015. Collection method: clinical testing. Allele origin: unknown.

NM_006231.4(POLE):c.1135C>T (p.His379Tyr)

Gene: POLE (DNA polymerase epsilon, catalytic subunit; minus strand). Cytogenetic location: 12q24.33.
Variant type: single nucleotide variant.
Coding change: c.1135C>T on transcript NM_006231.4 (MANE Select); coding-DNA position 1135, C replaced by T.
Protein change: p.His379Tyr; replaces histidine 379 with tyrosine.
Molecular consequence: missense variant.
Genome position (GRCh38, 1-based): chr12:132,675,489, G>A on the plus strand (C>T on the coding strand, the complement: POLE is on the minus strand). VCF-style: chr12-132675489-G-A. GRCh37 (hg19) VCF-style: chr12-133252075-G-A.
Other names: short protein forms H379Y.
Identifiers: ClinVar variation 1729536 (VCV001729536.9), dbSNP rs2542159094, ClinGen allele CA387361100.